The following is an entry in ClinVar:

ClinVar aggregate classification (germline): Uncertain significance (1 of 4 stars; one submission).

Conditions:
RYR1-related disorder. Also called: RYR1-related disorders; RYR1-related condition. Identifiers: MedGen CN239331.

Submission:

Labcorp Genetics (formerly Invitae), Labcorp
Classification: Uncertain significance for RYR1-related disorder. Last evaluated: 2018-10-24. Review status: criteria provided, single submitter. Criteria: Invitae Variant Classification Sherloc (09022015). Collection method: clinical testing. Allele origin: germline.
Comment: In summary, the available evidence is currently insufficient to determine the role of this variant in disease. Therefore, it has been classified as a Variant of Uncertain Significance. Algorithms developed to predict the effect of missense changes on protein structure and function (SIFT, PolyPhen-2, Align-GVGD) all suggest that this variant is likely to be tolerated, but these predictions have not been confirmed by published functional studies and their clinical significance is uncertain. This variant has not been reported in the literature in individuals with RYR1-related disease. This variant is not present in population databases (ExAC no frequency). This sequence change replaces asparagine with aspartic acid at codon 3850 of the RYR1 protein (p.Asn3850Asp). The asparagine residue is moderately conserved and there is a small physicochemical difference between asparagine and aspartic acid.

NM_000540.3(RYR1):c.11548A>G (p.Asn3850Asp)

Gene: RYR1 (ryanodine receptor 1; plus strand). Cytogenetic location: 19q13.2.
Variant type: single nucleotide variant.
Coding change: c.11548A>G on transcript NM_000540.3 (MANE Select); coding-DNA position 11548, A replaced by G.
Protein change: p.Asn3850Asp; replaces asparagine 3850 with aspartic acid.
Molecular consequence: missense variant.
Genome position (GRCh38, 1-based): chr19:38,536,028, A>G. VCF-style: chr19-38536028-A-G. GRCh37 (hg19) VCF-style: chr19-39026668-A-G.
Other names: c.11533A>G, p.Asn3845Asp (NM_001042723.2); short protein forms N3845D, N3850D.
Identifiers: ClinVar variation 645700 (VCV000645700.8), dbSNP rs1600963167, ClinGen allele CA405656544.